The following is an entry in ClinVar:

ClinVar aggregate classification (germline): Uncertain significance (1 of 4 stars; one submission).

gnomAD v4.1: 1 of 1,613,310 alleles (0.000062%); highest among the groups gnomAD compares: African/African-American, 0.0013%; no homozygotes.

Submission:

Labcorp Genetics (formerly Invitae), Labcorp
Classification: Uncertain significance. Last evaluated: 2024-12-04. Review status: criteria provided, single submitter. Criteria: Invitae Variant Classification Sherloc (09022015). Collection method: clinical testing. Allele origin: germline.
Comment: This sequence change replaces isoleucine, which is neutral and non-polar, with threonine, which is neutral and polar, at codon 2065 of the FN1 protein (p.Ile2065Thr). This variant is not present in population databases (gnomAD no frequency). This variant has not been reported in the literature in individuals affected with FN1-related conditions. An algorithm developed to predict the effect of missense changes on protein structure and function (PolyPhen-2) suggests that this variant is likely to be disruptive. In summary, the available evidence is currently insufficient to determine the role of this variant in disease. Therefore, it has been classified as a Variant of Uncertain Significance.

NM_212482.4(FN1):c.6194T>C (p.Ile2065Thr)

Gene: FN1 (fibronectin 1; minus strand). Cytogenetic location: 2q35.
Variant type: single nucleotide variant.
Coding change: c.6194T>C on transcript NM_212482.4 (MANE Select); coding-DNA position 6194, T replaced by C.
Protein change: p.Ile2065Thr; replaces isoleucine 2065 with threonine.
Molecular consequence: missense variant.
Genome position (GRCh38, 1-based): chr2:215,373,375, A>G on the plus strand (T>C on the coding strand, the complement: FN1 is on the minus strand). VCF-style: chr2-215373375-A-G. GRCh37 (hg19) VCF-style: chr2-216238098-A-G.
Other names: c.5921T>C, p.Ile1974Thr (NM_001365520.2, NM_001365524.2, NM_002026.4 and 2 more transcripts); c.5924T>C, p.Ile1975Thr (NM_001365521.2, NM_001365522.2, NM_001306130.2 and 2 more transcripts); c.5651T>C, p.Ile1884Thr (NM_001365523.2, NM_212474.3, NM_212476.3 and 2 more transcripts); c.6194T>C, p.Ile2065Thr (NM_001306129.2); short protein forms I1884T, I1975T, I2065T, I1974T.
Identifiers: ClinVar variation 3686278 (VCV003686278.2).